The following is an entry in ClinVar:

NM_032271.3(TRAF7):c.1827G>A (p.Ser609=)

Gene: TRAF7 (TNF receptor associated factor 7; plus strand). Cytogenetic location: 16p13.3.
Variant type: single nucleotide variant.
Coding change: c.1827G>A on transcript NM_032271.3 (MANE Select); coding-DNA position 1827, G replaced by A.
Protein change: p.Ser609=; no amino-acid change (serine 609 retained).
Molecular consequence: synonymous variant.
Genome position (GRCh38, 1-based): chr16:2,176,129, G>A. VCF-style: chr16-2176129-G-A. GRCh37 (hg19) VCF-style: chr16-2226130-G-A.
Identifiers: ClinVar variation 3250755 (VCV003250755.18), dbSNP rs147707985.
Genomic context (GRCh38, chr16:2,176,129, plus strand): 5'-GGAGCAGGTGCGGACCCTCACGGGCCACGTGGGCACCGTGTATGCCCTGGCGGTCATCTC[G>A]ACGCCAGACCAGACCAAAGTCTTCAGTGCATCCTACGACCGGTCCCTCAGGGTGCGTGCT-3'
Protein context (NP_115647.2, residues 599-619): VGTVYALAVI[Ser609=]TPDQTKVFSA

ClinVar aggregate classification (germline): Likely benign (1 of 4 stars; one submission).

Allele frequency attached by ClinVar (database versions not stated): gnomAD 0.00001; TOPMed 0.00006; ESP Exome Variant Server 0.00015.
gnomAD v4.1: 18 of 1,610,544 alleles (0.0011%); highest among the groups gnomAD compares: Admixed American, 0.0067%; no homozygotes.

Submission:

CeGaT Center for Human Genetics Tuebingen
Classification: Likely benign. Last evaluated: 2026-06-01. Review status: criteria provided, single submitter. Criteria: CeGaT Center For Human Genetics Tuebingen Variant Classification Criteria Version 2. Collection method: clinical testing. Allele origin: germline. Affected: yes. Observed: 2 variant alleles.
Comment: TRAF7: BP4, BP7